The following is an entry in ClinVar:

ClinVar aggregate classification (germline): Pathogenic (1 of 4 stars; one submission).

Conditions:
Charcot-Marie-Tooth disease type 2. Also called: Charcot-Marie-Tooth type 2. Identifiers: Orphanet 64746, MedGen C0270914, MONDO:0018993.

Submission:

Labcorp Genetics (formerly Invitae), Labcorp
Classification: Pathogenic for Charcot-Marie-Tooth disease type 2. Last evaluated: 2023-06-30. Review status: criteria provided, single submitter. Criteria: Invitae Variant Classification Sherloc (09022015). Collection method: clinical testing. Allele origin: germline.
Comment: This sequence change creates a premature translational stop signal (p.Trp631*) in the MFN2 gene. It is expected to result in an absent or disrupted protein product. Loss-of-function variants in MFN2 are known to be pathogenic (PMID: 16714318, 16835246, 21715711, 23781337, 26955893). This variant is not present in population databases (gnomAD no frequency). For these reasons, this variant has been classified as Pathogenic. ClinVar contains an entry for this variant (Variation ID: 2088794). This variant has not been reported in the literature in individuals affected with MFN2-related conditions.

Literature cited by the submitters: PubMed 16714318; PubMed 16835246; PubMed 21715711; PubMed 23781337; PubMed 26955893.

NM_014874.4(MFN2):c.1892G>A (p.Trp631Ter)

Gene: MFN2 (mitofusin 2; plus strand). Cytogenetic location: 1p36.22.
Variant type: single nucleotide variant.
Coding change: c.1892G>A on transcript NM_014874.4 (MANE Select); coding-DNA position 1892, G replaced by A.
Protein change: p.Trp631Ter; replaces tryptophan 631 with a stop codon.
Molecular consequence: nonsense.
Genome position (GRCh38, 1-based): chr1:12,007,072, G>A. VCF-style: chr1-12007072-G-A. GRCh37 (hg19) VCF-style: chr1-12067129-G-A.
Other names: c.1892G>A, p.Trp631Ter (NM_001127660.2); short protein forms W631*.
Identifiers: ClinVar variation 2088794 (VCV002088794.4), dbSNP rs2523099344, ClinGen allele CA338450334.